The following is an entry in ClinVar:

NM_001081.4(CUBN):c.8204A>C (p.Asp2735Ala)

Gene: CUBN (cubilin; minus strand). Cytogenetic location: 10p13.
Variant type: single nucleotide variant.
Coding change: c.8204A>C on transcript NM_001081.4 (MANE Select); coding-DNA position 8204, A replaced by C.
Protein change: p.Asp2735Ala; replaces aspartic acid 2735 with alanine.
Molecular consequence: missense variant.
Genome position (GRCh38, 1-based): chr10:16,900,831, T>G on the plus strand (A>C on the coding strand, the complement: CUBN is on the minus strand). VCF-style: chr10-16900831-T-G. GRCh37 (hg19) VCF-style: chr10-16942830-T-G.
Other names: short protein forms D2735A.
Identifiers: ClinVar variation 836690 (VCV000836690.12), dbSNP rs558369938, ClinGen allele CA203556271.

ClinVar aggregate classification (germline): Uncertain significance. Review status: criteria provided, multiple submitters, no conflicts (2 of 4 stars). 3 submissions from 3 submitters: Uncertain significance (3). Last evaluated 2026-03-31.

Conditions:
Imerslund-Grasbeck syndrome type 1 (IGS1). Also called: Megaloblastic anemia 1, Finnish type; Imerslund-Gräsbeck syndrome 1; MEGALOBLASTIC ANEMIA, 1. Identifiers: MedGen C4016819, MONDO:0100156, OMIM 261100.
Proteinuria, chronic benign. Identifiers: MedGen C5394384, MONDO:0030042, OMIM 618884.
Imerslund-Grasbeck syndrome. Also called: ENTEROCYTE COBALAMIN MALABSORPTION; ENTEROCYTE INTRINSIC FACTOR RECEPTOR, DEFECT OF; PERNICIOUS ANEMIA, JUVENILE, DUE TO SELECTIVE INTESTINAL MALABSORPTION OF VITAMIN B12, WITH PROTEINURIA; Megaloblastic anemia due to inborn errors of metabolism; Imerslund-Gräsbeck syndrome. Identifiers: Orphanet 35858, MedGen C4551825, MONDO:0009853.

Allele frequency attached by ClinVar (database versions not stated): gnomAD 0.00001; gnomAD exomes 0.00002.
gnomAD v4.1: 7 of 1,613,422 alleles (0.00043%); highest among the groups gnomAD compares: Admixed American, 0.012%; no homozygotes.

Submissions (3):

GeneDx
Classification: Uncertain significance. Last evaluated: 2026-03-31. Review status: criteria provided, single submitter. Criteria: GeneDx Variant Classification Process June 2021. Collection method: clinical testing. Allele origin: germline.
Comment: Not observed at significant frequency in large population cohorts (gnomAD); In silico analysis supports that this missense variant has a deleterious effect on protein structure/function; Has not been previously published as pathogenic or benign to our knowledge

Labcorp Genetics (formerly Invitae), Labcorp
Classification: Uncertain significance for Imerslund-Grasbeck syndrome. Last evaluated: 2023-03-02. Review status: criteria provided, single submitter. Criteria: Invitae Variant Classification Sherloc (09022015). Collection method: clinical testing. Allele origin: germline.
Comment: This sequence change replaces aspartic acid, which is acidic and polar, with alanine, which is neutral and non-polar, at codon 2735 of the CUBN protein (p.Asp2735Ala). This variant is present in population databases (rs558369938, gnomAD 0.01%). This variant has not been reported in the literature in individuals affected with CUBN-related conditions. ClinVar contains an entry for this variant (Variation ID: 836690). Advanced modeling of protein sequence and biophysical properties (such as structural, functional, and spatial information, amino acid conservation, physicochemical variation, residue mobility, and thermodynamic stability) performed at Invitae indicates that this missense variant is not expected to disrupt CUBN protein function. In summary, the available evidence is currently insufficient to determine the role of this variant in disease. Therefore, it has been classified as a Variant of Uncertain Significance.

Fulgent Genetics
Classification: Uncertain significance for Imerslund-Grasbeck syndrome type 1; Proteinuria, chronic benign. Last evaluated: 2022-05-02. Review status: criteria provided, single submitter. Criteria: ACMG Guidelines, 2015. Collection method: clinical testing. Allele origin: unknown.